The following is an entry in ClinVar:

NM_001048174.2(MUTYH):c.778A>T (p.Thr260Ser)

Gene: MUTYH (mutY DNA glycosylase; minus strand). Cytogenetic location: 1p34.1.
Variant type: single nucleotide variant.
Coding change: c.778A>T on transcript NM_001048174.2 (MANE Select); coding-DNA position 778, A replaced by T.
Protein change: p.Thr260Ser; replaces threonine 260 with serine.
Molecular consequence: missense variant. On other transcripts: non-coding transcript variant (7).
Genome position (GRCh38, 1-based): chr1:45,332,237, T>A on the plus strand (A>T on the coding strand, the complement: MUTYH is on the minus strand). VCF-style: chr1-45332237-T-A. GRCh37 (hg19) VCF-style: chr1-45797909-T-A.
Other names: c.811A>T, p.Thr271Ser (NM_001407069.1, NM_001407077.1, NM_001293191.2); c.778A>T, p.Thr260Ser (NM_001407089.1, NM_001407070.1, NM_001407072.1 and 6 more transcripts); c.502A>T, p.Thr168Ser (NM_001407091.1, NM_001293192.2, NM_001293196.2); c.781A>T, p.Thr261Ser (NM_001407071.1, NM_001407078.1, NM_001407086.1 and 1 more transcripts); c.694A>T, p.Thr232Ser (NM_001407075.1); c.739A>T, p.Thr247Ser (NM_001407079.1); c.736A>T, p.Thr246Ser (NM_001407080.1); c.853A>T, p.Thr285Ser (NM_012222.3); and 5 more; short protein forms T260S, T261S, T285S, T168S, T271S, T274S, T275S, T288S.
Identifiers: ClinVar variation 4113867 (VCV004113867.1).

ClinVar aggregate classification (germline): Uncertain significance (1 of 4 stars; one submission).

Conditions:
Hereditary cancer-predisposing syndrome. Also called: Hereditary neoplastic syndrome; Neoplastic Syndromes, Hereditary; Tumor predisposition; Hereditary Cancer Syndrome. Identifiers: Orphanet 140162, MedGen C0027672, MeSH D009386, MONDO:0015356.

Submission:

Ambry Genetics
Classification: Uncertain significance for Hereditary cancer-predisposing syndrome. Last evaluated: 2025-08-27. Review status: criteria provided, single submitter. Criteria: Ambry Variant Classification Scheme 2023. Collection method: clinical testing. Allele origin: germline.
Comment: The p.T288S variant (also known as c.862A>T), located in coding exon 10 of the MUTYH gene, results from an A to T substitution at nucleotide position 862. The threonine at codon 288 is replaced by serine, an amino acid with similar properties. This amino acid position is conserved. In addition, the in silico prediction for this alteration is inconclusive. Based on the available evidence, the clinical significance of this variant remains unclear.